The following is an entry in ClinVar:

ClinVar aggregate classification (germline): Uncertain significance. Review status: criteria provided, multiple submitters, no conflicts (2 of 4 stars). 2 submissions from 2 submitters: Uncertain significance (2). Last evaluated 2025-08-28.

Conditions:
Cardiovascular phenotype. Identifiers: MedGen CN230736.
Brugada syndrome 8 (BRGDA8). Identifiers: Orphanet 130, MedGen C2751083, MONDO:0013148, OMIM 613123.

Allele frequency attached by ClinVar (database versions not stated): gnomAD exomes 0.00001; gnomAD 0.00005; TOPMed 0.00005.
gnomAD v4.1: 8 of 1,452,574 alleles (0.00055%); highest among the groups gnomAD compares: African/African-American, 0.011%; no homozygotes.

Submissions (2):

Ambry Genetics
Classification: Uncertain significance for Cardiovascular phenotype. Last evaluated: 2025-08-28. Review status: criteria provided, single submitter. Criteria: Ambry Variant Classification Scheme 2023. Collection method: clinical testing. Allele origin: germline.
Comment: The p.P1034R variant (also known as c.3101C>G), located in coding exon 8 of the HCN4 gene, results from a C to G substitution at nucleotide position 3101. The proline at codon 1034 is replaced by arginine, an amino acid with dissimilar properties. This amino acid position is well conserved in available vertebrate species. In addition, the in silico prediction for this alteration is inconclusive. Since supporting evidence is limited at this time, the clinical significance of this alteration remains unclear.

Labcorp Genetics (formerly Invitae), Labcorp
Classification: Uncertain significance for Brugada syndrome 8. Last evaluated: 2025-07-06. Review status: criteria provided, single submitter. Criteria: Invitae Variant Classification Sherloc (09022015). Collection method: clinical testing. Allele origin: germline.
Comment: This sequence change replaces proline, which is neutral and non-polar, with arginine, which is basic and polar, at codon 1034 of the HCN4 protein (p.Pro1034Arg). This variant is present in population databases (no rsID available, gnomAD 0.02%). This variant has not been reported in the literature in individuals affected with HCN4-related conditions. ClinVar contains an entry for this variant (Variation ID: 845170). Invitae Evidence Modeling of protein sequence and biophysical properties (such as structural, functional, and spatial information, amino acid conservation, physicochemical variation, residue mobility, and thermodynamic stability) indicates that this missense variant is not expected to disrupt HCN4 protein function with a negative predictive value of 95%. In summary, the available evidence is currently insufficient to determine the role of this variant in disease. Therefore, it has been classified as a Variant of Uncertain Significance.

NM_005477.3(HCN4):c.3101C>G (p.Pro1034Arg)

Gene: HCN4 (hyperpolarization activated cyclic nucleotide gated potassium channel 4; minus strand). Cytogenetic location: 15q24.1.
Variant type: single nucleotide variant.
Coding change: c.3101C>G on transcript NM_005477.3 (MANE Select); coding-DNA position 3101, C replaced by G.
Protein change: p.Pro1034Arg; replaces proline 1034 with arginine.
Molecular consequence: missense variant.
Genome position (GRCh38, 1-based): chr15:73,322,992, G>C on the plus strand (C>G on the coding strand, the complement: HCN4 is on the minus strand). VCF-style: chr15-73322992-G-C. GRCh37 (hg19) VCF-style: chr15-73615333-G-C.
Other names: short protein forms P1034R.
Identifiers: ClinVar variation 845170 (VCV000845170.13), dbSNP rs928266429, ClinGen allele CA272663736.